The following is an entry in ClinVar:

ClinVar aggregate classification (germline): Uncertain significance (1 of 4 stars; one submission).

Allele frequency attached by ClinVar (database versions not stated): gnomAD 0.00001; gnomAD exomes 0.00001.
gnomAD v4.1: 22 of 1,614,004 alleles (0.0014%); highest among the groups gnomAD compares: Non-Finnish European, 0.0017%; no homozygotes.

Submission:

Labcorp Genetics (formerly Invitae), Labcorp
Classification: Uncertain significance. Last evaluated: 2023-02-06. Review status: criteria provided, single submitter. Criteria: Invitae Variant Classification Sherloc (09022015). Collection method: clinical testing. Allele origin: germline.
Comment: This sequence change creates a premature translational stop signal (p.Arg519*) in the WNK4 gene. It is expected to result in an absent or disrupted protein product. However, the current clinical and genetic evidence is not sufficient to establish whether loss-of-function variants in WNK4 cause disease. This variant is present in population databases (no rsID available, gnomAD 0.002%). This variant has not been reported in the literature in individuals affected with WNK4-related conditions. In summary, the available evidence is currently insufficient to determine the role of this variant in disease. Therefore, it has been classified as a Variant of Uncertain Significance.

NM_032387.5(WNK4):c.1555C>T (p.Arg519Ter)

Gene: WNK4 (WNK lysine deficient protein kinase 4; plus strand). Cytogenetic location: 17q21.2.
Variant type: single nucleotide variant.
Coding change: c.1555C>T on transcript NM_032387.5 (MANE Select); coding-DNA position 1555, C replaced by T.
Protein change: p.Arg519Ter; replaces arginine 519 with a stop codon.
Molecular consequence: nonsense.
Genome position (GRCh38, 1-based): chr17:42,787,356, C>T. VCF-style: chr17-42787356-C-T. GRCh37 (hg19) VCF-style: chr17-40939374-C-T.
Other names: c.547C>T, p.Arg183Ter (NM_001321299.2); short protein forms R519*, R183*.
Identifiers: ClinVar variation 2179925 (VCV002179925.4), dbSNP rs974649105, ClinGen allele CA290785027.
Genomic context (GRCh38, chr17:42,787,356, plus strand): 5'-TGTGAAGCCGATTACCAGCCAGTGGCCCGTGCAGTACGTGAACGGGTTGCTGCCATCCAG[C>T]GAAAGCGTGAGAAGCTGCGTAAAGCAAGGGAATTGGAGGCACTCCCACCAGAGCCAGGAC-3'